The following is an entry in ClinVar:

ClinVar aggregate classification (germline): Uncertain significance (1 of 4 stars; one submission).

Conditions:
Microcephaly 7, primary, autosomal recessive. Identifiers: Orphanet 2512, MedGen C2675187, MONDO:0012989, OMIM 612703.

Allele frequency attached by ClinVar (database versions not stated): gnomAD exomes 0.00014 and 0.00019; ESP Exome Variant Server 0.00015; gnomAD 0.00015 and 0.00018; TOPMed 0.00016; ExAC 0.00018; 1000 Genomes Project 0.00040; 1000 Genomes Project 30x 0.00047.
gnomAD v4.1: 228 of 1,609,228 alleles (0.014%); highest among the groups gnomAD compares: East Asian, 0.24%; no homozygotes.

Submission:

Illumina Laboratory Services, Illumina
Classification: Uncertain significance for Microcephaly 7, primary, autosomal recessive. Last evaluated: 2017-04-27. Review status: criteria provided, single submitter. Criteria: ICSL Variant Classification Criteria 13 December 2019. Collection method: clinical testing. Allele origin: germline.
Comment: This variant was observed as part of a predisposition screen in an ostensibly healthy population. A literature search was performed for the gene, cDNA change, and amino acid change (where applicable). Publications were found based on this search. However, the evidence from the literature, in combination with allele frequency data from public databases where available, was not sufficient to rule this variant in or out of causing disease. Therefore, this variant is classified as a variant of unknown significance.

Literature cited by the submitters: PubMed 23772360.

NM_001048166.1(STIL):c.3170A>G (p.Asn1057Ser)

Gene: STIL (STIL centriolar assembly protein; minus strand). Cytogenetic location: 1p33.
Variant type: single nucleotide variant.
Coding change: c.3170A>G on transcript NM_001048166.1 (MANE Select); coding-DNA position 3170, A replaced by G.
Protein change: p.Asn1057Ser; replaces asparagine 1057 with serine.
Molecular consequence: missense variant.
Genome position (GRCh38, 1-based): chr1:47,251,833, T>C on the plus strand (A>G on the coding strand, the complement: STIL is on the minus strand). VCF-style: chr1-47251833-T-C. GRCh37 (hg19) VCF-style: chr1-47717505-T-C.
Other names: c.3167A>G, p.Asn1056Ser (NM_001282936.1, NM_003035.2); c.3116A>G, p.Asn1039Ser (NM_001282937.1); c.3029A>G, p.Asn1010Ser (NM_001282938.1, NM_001377417.1); c.2975A>G, p.Asn992Ser (NM_001282939.1); short protein forms N1057S, N1039S, N1010S, N1056S, N992S.
Identifiers: ClinVar variation 874794 (VCV000874794.4), dbSNP rs143956189, ClinGen allele CA842008.